The following is an entry in ClinVar:

NM_174916.3(UBR1):c.3758-2A>T

Gene: UBR1 (ubiquitin protein ligase E3 component n-recognin 1; minus strand). Cytogenetic location: 15q15.2.
Variant type: single nucleotide variant.
Coding change: c.3758-2A>T on transcript NM_174916.3 (MANE Select); the canonical splice acceptor site of the intron before coding-DNA position 3758, A replaced by T.
Molecular consequence: splice acceptor variant.
Genome position (GRCh38, 1-based): chr15:42,990,122, T>A on the plus strand (A>T on the coding strand, the complement: UBR1 is on the minus strand). VCF-style: chr15-42990122-T-A. GRCh37 (hg19) VCF-style: chr15-43282320-T-A.
Identifiers: ClinVar variation 3019392 (VCV003019392.3), dbSNP rs760217267, ClinGen allele CA7518086.

ClinVar aggregate classification (germline): Likely pathogenic (1 of 4 stars; one submission).

Allele frequency attached by ClinVar (database versions not stated): gnomAD exomes 0.00001; ExAC 0.00002.
gnomAD v4.1: 3 of 1,577,208 alleles (0.00019%); highest among the groups gnomAD compares: South Asian, 0.0034%; no homozygotes.

Submission:

Labcorp Genetics (formerly Invitae), Labcorp
Classification: Likely pathogenic. Last evaluated: 2023-11-15. Review status: criteria provided, single submitter. Criteria: Invitae Variant Classification Sherloc (09022015). Collection method: clinical testing. Allele origin: germline.
Comment: This sequence change affects an acceptor splice site in intron 33 of the UBR1 gene. It is expected to disrupt RNA splicing. Variants that disrupt the donor or acceptor splice site typically lead to a loss of protein function (PMID: 16199547), and loss-of-function variants in UBR1 are known to be pathogenic (PMID: 24599544). This variant is present in population databases (rs760217267, gnomAD 0.008%). This variant has not been reported in the literature in individuals affected with UBR1-related conditions. Algorithms developed to predict the effect of sequence changes on RNA splicing suggest that this variant may disrupt the consensus splice site. In summary, the currently available evidence indicates that the variant is pathogenic, but additional data are needed to prove that conclusively. Therefore, this variant has been classified as Likely Pathogenic.

Literature cited by the submitters: PubMed 16199547; PubMed 24599544.